The following is an entry in ClinVar:

ClinVar aggregate classification (germline): Pathogenic (0 of 4 stars; one submission).

Submission:

GenMed Metabolism Lab
Classification: Pathogenic. Review status: no assertion criteria provided. Collection method: not provided. Allele origin: unknown.
ClinVar note: Converted during submission from pathogenic to Pathogenic.

NM_000531.6(OTC):c.479T>G (p.Ile160Ser)

Gene: OTC (ornithine transcarbamylase; plus strand). Cytogenetic location: Xp11.4.
Variant type: single nucleotide variant.
Coding change: c.479T>G on transcript NM_000531.6 (MANE Select); coding-DNA position 479, T replaced by G.
Protein change: p.Ile160Ser; replaces isoleucine 160 with serine.
Molecular consequence: missense variant.
Genome position (GRCh38, 1-based): chrX:38,401,367, T>G. VCF-style: chrX-38401367-T-G. GRCh37 (hg19) VCF-style: chrX-38260620-T-G.
Other names: short protein forms I160S.
Identifiers: ClinVar variation 97214 (VCV000097214.2), dbSNP rs67954347, ClinGen allele CA224632.
Genomic context (GRCh38, chrX:38,401,367, plus strand): 5'-CTCGAGTGTATAAACAATCAGATTTGGACACCCTGGCTAAAGAAGCATCCATCCCAATTA[T>G]CAATGGGCTGTCAGATTTGTACCATCCTATCCAGATCCTGGCTGATTACCTCACGCTCCA-3'
Protein context (NP_000522.3, residues 150-170): TLAKEASIPI[Ile160Ser]NGLSDLYHPI